The following is an entry in ClinVar:

NM_000070.3(CAPN3):c.2440-15T>A

Gene: CAPN3 (calpain 3; plus strand). Cytogenetic location: 15q15.1.
Variant type: single nucleotide variant.
Coding change: c.2440-15T>A on transcript NM_000070.3 (MANE Select); 15 bases into the intron before coding-DNA position 2440, T replaced by A.
Molecular consequence: intron variant.
Genome position (GRCh38, 1-based): chr15:42,411,732, T>A. VCF-style: chr15-42411732-T-A. GRCh37 (hg19) VCF-style: chr15-42703930-T-A.
Other names: c.2422-15T>A (NM_024344.2); c.2164-15T>A (NM_173087.2); c.904-15T>A (NM_173088.2); c.445-15T>A (NM_173090.2, NM_173089.2).
Identifiers: ClinVar variation 2917540 (VCV002917540.3), dbSNP rs1227406985, ClinGen allele CA712905238.

ClinVar aggregate classification (germline): Uncertain significance (1 of 4 stars; one submission).

Conditions:
Autosomal recessive limb-girdle muscular dystrophy type 2A (LGMDR1). Also called: LEYDEN-MOEBIUS MUSCULAR DYSTROPHY; MUSCULAR DYSTROPHY, PELVOFEMORAL; Muscular dystrophy, limb-girdle, type 2A, Amish; Limb-girdle muscular dystrophy, type 2A; Calpainopathy. Identifiers: Orphanet 267, MedGen C1869123, MONDO:0009675, OMIM 253600. Disease mechanism: loss of function.

Allele frequency attached by ClinVar (database versions not stated): gnomAD 0.00001; gnomAD exomes 0.00003.
gnomAD v4.1: 34 of 1,367,610 alleles (0.0025%); highest among the groups gnomAD compares: Non-Finnish European, 0.0034%; no homozygotes.

Submission:

Labcorp Genetics (formerly Invitae), Labcorp
Classification: Uncertain significance for Autosomal recessive limb-girdle muscular dystrophy type 2A. Last evaluated: 2023-06-16. Review status: criteria provided, single submitter. Criteria: Invitae Variant Classification Sherloc (09022015). Collection method: clinical testing. Allele origin: germline.
Comment: This sequence change falls in intron 23 of the CAPN3 gene. It does not directly change the encoded amino acid sequence of the CAPN3 protein. This variant is not present in population databases (gnomAD no frequency). This variant has not been reported in the literature in individuals affected with CAPN3-related conditions. Algorithms developed to predict the effect of sequence changes on RNA splicing suggest that this variant may create or strengthen a splice site. In summary, the available evidence is currently insufficient to determine the role of this variant in disease. Therefore, it has been classified as a Variant of Uncertain Significance.